The following is an entry in ClinVar:

NM_000459.5(TEK):c.3151C>T (p.Leu1051=)

Gene: TEK (TEK receptor tyrosine kinase; plus strand). Cytogenetic location: 9p21.2.
Variant type: single nucleotide variant.
Coding change: c.3151C>T on transcript NM_000459.5 (MANE Select); coding-DNA position 3151, C replaced by T.
Protein change: p.Leu1051=; no amino-acid change (leucine 1051 retained).
Molecular consequence: synonymous variant.
Genome position (GRCh38, 1-based): chr9:27,220,096, C>T. VCF-style: chr9-27220096-C-T. GRCh37 (hg19) VCF-style: chr9-27220094-C-T.
Other names: p.Leu1051=; c.3022C>T, p.Leu1008= (NM_001290077.2); c.2707C>T, p.Leu903= (NM_001290078.2); c.3148C>T, p.Leu1050= (NM_001375475.1); c.3019C>T, p.Leu1007= (NM_001375476.1).
Identifiers: ClinVar variation 366451 (VCV000366451.13), dbSNP rs2273718, ClinGen allele CA5016759.

ClinVar aggregate classification (germline): Benign/Likely benign. Review status: criteria provided, multiple submitters, no conflicts (2 of 4 stars). 4 submissions from 4 submitters: Benign (3); Likely benign (1). Last evaluated 2025-06-18.

Conditions:
Multiple cutaneous and mucosal venous malformations (VMCM). Also called: TEK-Related Multiple Cutaneous and Mucosal Venous Malformations (VMCM). Identifiers: Orphanet 2451, MedGen C1838437, MONDO:0010842, OMIM 600195.

Allele frequency attached by ClinVar (database versions not stated): ExAC 0.00151; gnomAD 0.00046 and 0.00083; TOPMed 0.00111; gnomAD exomes 0.00150; 1000 Genomes Project 30x 0.00250; 1000 Genomes Project 0.00319.
gnomAD v4.1: 1,274 of 1,614,058 alleles (0.079%); highest among the groups gnomAD compares: East Asian, 2.2%; 6 homozygotes.

Submissions (4):

ARUP Laboratories, Molecular Genetics and Genomics, ARUP Laboratories
Classification: Benign. Last evaluated: 2025-06-18. Review status: criteria provided, single submitter. Criteria: ARUP Molecular Germline Variant Investigation Process 2024. Collection method: clinical testing. Allele origin: germline.

Mayo Clinic Laboratories, Mayo Clinic
Classification: Likely benign. Last evaluated: 2025-04-11. Review status: criteria provided, single submitter. Criteria: ACMG Guidelines, 2015. Collection method: clinical testing. Allele origin: germline. Observed: 1 variant allele.
Comment: BS1, BP4, BP7

Labcorp Genetics (formerly Invitae), Labcorp
Classification: Benign. Last evaluated: 2025-02-09. Review status: criteria provided, single submitter. Criteria: Invitae Variant Classification Sherloc (09022015). Collection method: clinical testing. Allele origin: germline.

Illumina Laboratory Services, Illumina
Classification: Benign for Multiple cutaneous and mucosal venous malformations. Last evaluated: 2018-01-13. Review status: criteria provided, single submitter. Criteria: ICSL Variant Classification Criteria 13 December 2019. Collection method: clinical testing. Allele origin: germline.
Comment: This variant was observed in the ICSL laboratory as part of a predisposition screen in an ostensibly healthy population. It had not been previously curated by ICSL or reported in the Human Gene Mutation Database (HGMD: prior to June 1st, 2018), and was therefore a candidate for classification through an automated scoring system. Utilizing variant allele frequency, disease prevalence and penetrance estimates, and inheritance mode, an automated score was calculated to assess if this variant is too frequent to cause the disease. Based on the score and internal cut-off values, a variant classified as benign is not then subjected to further curation. The score for this variant resulted in a classification of benign for this disease.